The following is an entry in ClinVar:

ClinVar aggregate classification (germline): Uncertain significance. Review status: criteria provided, multiple submitters, no conflicts (2 of 4 stars). 3 submissions from 3 submitters: Uncertain significance (3). Last evaluated 2024-07-30.

Conditions:
Familial thoracic aortic aneurysm and aortic dissection (TAAD). Also called: Thoracic aortic aneurysms and dissections. Identifiers: Orphanet 91387, MedGen C4707243, MONDO:0019625.
Aortic aneurysm, familial thoracic 6 (AAT6). Also called: FAMILIAL THORACIC AORTIC ANEURYSM WITH LIVEDO RETICULARIS AND IRIS FLOCCULI. Identifiers: MedGen C2673186, MONDO:0012730, OMIM 611788.

Submissions (3):

Labcorp Genetics (formerly Invitae), Labcorp
Classification: Uncertain significance for Aortic aneurysm, familial thoracic 6. Last evaluated: 2024-07-30. Review status: criteria provided, single submitter. Criteria: Invitae Variant Classification Sherloc (09022015). Collection method: clinical testing. Allele origin: germline.
Comment: This sequence change replaces glycine, which is neutral and non-polar, with glutamic acid, which is acidic and polar, at codon 253 of the ACTA2 protein (p.Gly253Glu). This variant is not present in population databases (gnomAD no frequency). This variant has not been reported in the literature in individuals affected with ACTA2-related conditions. ClinVar contains an entry for this variant (Variation ID: 921546). Advanced modeling of protein sequence and biophysical properties (such as structural, functional, and spatial information, amino acid conservation, physicochemical variation, residue mobility, and thermodynamic stability) performed at Invitae indicates that this missense variant is not expected to disrupt ACTA2 protein function with a negative predictive value of 80%. In summary, the available evidence is currently insufficient to determine the role of this variant in disease. Therefore, it has been classified as a Variant of Uncertain Significance.

Color Diagnostics, LLC DBA Color Health
Classification: Uncertain significance for Familial thoracic aortic aneurysm and aortic dissection. Last evaluated: 2024-03-06. Review status: criteria provided, single submitter. Criteria: ACMG Guidelines, 2015. Collection method: clinical testing. Allele origin: germline.
Comment: This missense variant replaces glycine with glutamic acid at codon 253 of the ACTA2 protein. Computational prediction tool suggests that this variant may have deleterious impact on protein structure and function. Splice site prediction tools suggest that this variant may not impact RNA splicing. To our knowledge, functional studies have not been performed for this variant. This variant has not been reported in individuals affected with cardiovascular disorders in the literature. This variant has not been identified in the general population by the Genome Aggregation Database (gnomAD). The available evidence is insufficient to determine the role of this variant in disease conclusively. Therefore, this variant is classified as a Variant of Uncertain Significance.

Ambry Genetics
Classification: Uncertain significance for Familial thoracic aortic aneurysm and aortic dissection. Last evaluated: 2020-02-12. Review status: criteria provided, single submitter. Criteria: Ambry Variant Classification Scheme 2023. Collection method: clinical testing. Allele origin: germline.
Comment: The p.G253E variant (also known as c.758G>A), located in coding exon 6 of the ACTA2 gene, results from a G to A substitution at nucleotide position 758. The glycine at codon 253 is replaced by glutamic acid, an amino acid with similar properties. This amino acid position is highly conserved in available vertebrate species. In addition, this alteration is predicted to be deleterious by in silico analysis. Since supporting evidence is limited at this time, the clinical significance of this alteration remains unclear.

NM_001613.4(ACTA2):c.758G>A (p.Gly253Glu)

Genes: ACTA2 (actin alpha 2, smooth muscle; minus strand), ACTA2-AS1 (ACTA2 antisense RNA 1; plus strand). Cytogenetic location: 10q23.31.
Variant type: single nucleotide variant.
Coding change: c.758G>A on transcript NM_001613.4 (MANE Select); coding-DNA position 758, G replaced by A.
Protein change: p.Gly253Glu; replaces glycine 253 with glutamic acid.
Molecular consequence: missense variant. On other transcripts: non-coding transcript variant (1).
Genome position (GRCh38, 1-based): chr10:88,939,557, C>T on the plus strand (G>A on the coding strand, the complement: ACTA2 is on the minus strand). VCF-style: chr10-88939557-C-T. GRCh37 (hg19) VCF-style: chr10-90699314-C-T.
Other names: c.758G>A, p.Gly253Glu (NM_001141945.3, NM_001320855.2, NM_001406462.1 and 2 more transcripts); c.647G>A, p.Gly216Glu (NM_001406466.1); c.629G>A, p.Gly210Glu (NM_001406467.1, NM_001406468.1, NM_001406469.1); short protein forms G253E, G216E, G210E.
Identifiers: ClinVar variation 921546 (VCV000921546.13), dbSNP rs1845810106, ClinGen allele CA377511241.
Genomic context (GRCh38, chr10:88,939,557, plus strand): 5'-TGTTGCCTACCGATGAAGGATGGCTGGAACAGGGTCTCTGGGCAGCGGAAACGTTCATTT[C>T]CGATGGTGATCACTTGCCCATCAGGCAACTCGTAACTCTTCTCAAGGGAGGATGAGGATG-3'
Protein context (NP_001604.1, residues 243-263): ELPDGQVITI[Gly253Glu]NERFRCPETL